The following is an entry in ClinVar:

ClinVar aggregate classification (germline): Uncertain significance (1 of 4 stars; one submission).

Allele frequency attached by ClinVar (database versions not stated): TOPMed 0.00001.

Submission:

Labcorp Genetics (formerly Invitae), Labcorp
Classification: Uncertain significance. Last evaluated: 2023-08-29. Review status: criteria provided, single submitter. Criteria: Invitae Variant Classification Sherloc (09022015). Collection method: clinical testing. Allele origin: germline.
Comment: In summary, the available evidence is currently insufficient to determine the role of this variant in disease. Therefore, it has been classified as a Variant of Uncertain Significance. An algorithm developed to predict the effect of missense changes on protein structure and function (PolyPhen-2) suggests that this variant is likely to be tolerated. This variant has not been reported in the literature in individuals affected with MOCS3-related conditions. This variant is present in population databases (no rsID available, gnomAD 0.007%). This sequence change replaces alanine, which is neutral and non-polar, with serine, which is neutral and polar, at codon 392 of the MOCS3 protein (p.Ala392Ser).

NM_014484.5(MOCS3):c.1174G>T (p.Ala392Ser)

Gene: MOCS3 (molybdenum cofactor synthesis 3; plus strand). Cytogenetic location: 20q13.13.
Variant type: single nucleotide variant.
Coding change: c.1174G>T on transcript NM_014484.5 (MANE Select); coding-DNA position 1174, G replaced by T.
Protein change: p.Ala392Ser; replaces alanine 392 with serine.
Molecular consequence: missense variant.
Genome position (GRCh38, 1-based): chr20:50,960,016, G>T. VCF-style: chr20-50960016-G-T. GRCh37 (hg19) VCF-style: chr20-49576553-G-T.
Other names: short protein forms A392S.
Identifiers: ClinVar variation 2748559 (VCV002748559.3), dbSNP rs367866053, ClinGen allele CA408986557.
Genomic context (GRCh38, chr20:50,960,016, plus strand): 5'-CACATCCCTCTGAAACATTTGGAACGCAGGGATGCGGAGAGCCTGAAACTCTTAAAAGAA[G>T]CAATCTGGGAAGAGAAGCAGGGCACACAAGAAGGGGCTGCTGTCCCCATTTATGTGATTT-3'
Protein context (NP_055299.1, residues 382-402): DAESLKLLKE[Ala392Ser]IWEEKQGTQE